The following is an entry in ClinVar:

NM_001306084.2(CFAP54):c.2744G>A (p.Arg915Gln)

Gene: CFAP54 (cilia and flagella associated protein 54; plus strand). Cytogenetic location: 12q23.1.
Variant type: single nucleotide variant.
Coding change: c.2744G>A on transcript NM_001306084.2 (MANE Select); coding-DNA position 2744, G replaced by A.
Protein change: p.Arg915Gln; replaces arginine 915 with glutamine.
Molecular consequence: missense variant.
Genome position (GRCh38, 1-based): chr12:96,576,709, G>A. VCF-style: chr12-96576709-G-A. GRCh37 (hg19) VCF-style: chr12-96970487-G-A.
Other names: c.2744G>A, p.Arg915Gln (NM_001367885.1); short protein forms R915Q.
Identifiers: ClinVar variation 3702967 (VCV003702967.2).

ClinVar aggregate classification (germline): Uncertain significance (1 of 4 stars; one submission).

gnomAD v4.1: 42 of 1,535,668 alleles (0.0027%); highest among the groups gnomAD compares: Middle Eastern, 0.017%; no homozygotes.

Submission:

Labcorp Genetics (formerly Invitae), Labcorp
Classification: Uncertain significance. Last evaluated: 2025-01-20. Review status: criteria provided, single submitter. Criteria: Invitae Variant Classification Sherloc (09022015). Collection method: clinical testing. Allele origin: germline.
Comment: This sequence change replaces arginine, which is basic and polar, with glutamine, which is neutral and polar, at codon 915 of the CFAP54 protein (p.Arg915Gln). This variant is present in population databases (rs763606810, gnomAD 0.003%). This missense change has been observed in individual(s) with clinical features of primary ciliary dyskinesia (internal data). In at least one individual the data is consistent with being in trans (on the opposite chromosome) from a pathogenic variant. An algorithm developed to predict the effect of missense changes on protein structure and function (PolyPhen-2) suggests that this variant is likely to be disruptive. In summary, the available evidence is currently insufficient to determine the role of this variant in disease. Therefore, it has been classified as a Variant of Uncertain Significance.